The following is an entry in ClinVar:

ClinVar aggregate classification (germline): Uncertain significance (1 of 4 stars; one submission).

Conditions:
Hereditary spastic paraplegia 39 (SPG39). Also called: SPASTIC PARAPLEGIA 39, AUTOSOMAL RECESSIVE; Spastic Paraplegia Type 39 (SPG39). Identifiers: Orphanet 139480, MedGen C2677586, MONDO:0012787, OMIM 612020.

Submission:

Labcorp Genetics (formerly Invitae), Labcorp
Classification: Uncertain significance for Hereditary spastic paraplegia 39. Last evaluated: 2023-11-20. Review status: criteria provided, single submitter. Criteria: Invitae Variant Classification Sherloc (09022015). Collection method: clinical testing. Allele origin: germline.
Comment: This sequence change replaces asparagine, which is neutral and polar, with lysine, which is basic and polar, at codon 1092 of the PNPLA6 protein (p.Asn1092Lys). This variant is not present in population databases (gnomAD no frequency). This variant has not been reported in the literature in individuals affected with PNPLA6-related conditions. ClinVar contains an entry for this variant (Variation ID: 1975909). Advanced modeling of protein sequence and biophysical properties (such as structural, functional, and spatial information, amino acid conservation, physicochemical variation, residue mobility, and thermodynamic stability) performed at Invitae indicates that this missense variant is expected to disrupt PNPLA6 protein function with a positive predictive value of 95%. In summary, the available evidence is currently insufficient to determine the role of this variant in disease. Therefore, it has been classified as a Variant of Uncertain Significance.

NM_001166114.2(PNPLA6):c.3390T>G (p.Asn1130Lys)

Gene: PNPLA6 (patatin like domain 6, lysophospholipase; plus strand). Cytogenetic location: 19p13.2.
Variant type: single nucleotide variant.
Coding change: c.3390T>G on transcript NM_001166114.2 (MANE Select); coding-DNA position 3390, T replaced by G.
Protein change: p.Asn1130Lys; replaces asparagine 1130 with lysine.
Molecular consequence: missense variant.
Genome position (GRCh38, 1-based): chr19:7,557,277, T>G. VCF-style: chr19-7557277-T-G. GRCh37 (hg19) VCF-style: chr19-7622163-T-G.
Other names: c.3420T>G, p.Asn1140Lys (NM_001166111.2); c.3195T>G, p.Asn1065Lys (NM_001166112.2); c.3276T>G, p.Asn1092Lys (NM_001166113.1, NM_006702.5); short protein forms N1140K, N1130K, N1065K, N1092K.
Identifiers: ClinVar variation 1975909 (VCV001975909.5), dbSNP rs2512563280, ClinGen allele CA403134042.